The following is an entry in ClinVar:

ClinVar aggregate classification (germline): Uncertain significance (1 of 4 stars; one submission).

Conditions:
Hereditary cancer-predisposing syndrome. Also called: Hereditary neoplastic syndrome; Tumor predisposition; Hereditary Cancer Syndrome; Neoplastic Syndromes, Hereditary. Identifiers: Orphanet 140162, MedGen C0027672, MeSH D009386, MONDO:0015356.

Submission:

Color Diagnostics, LLC DBA Color Health
Classification: Uncertain significance for Hereditary cancer-predisposing syndrome. Last evaluated: 2023-12-05. Review status: criteria provided, single submitter. Criteria: ACMG Guidelines, 2015. Collection method: clinical testing. Allele origin: germline.
Comment: This missense variant replaces valine with leucine at codon 911 of the BRIP1 protein. Computational prediction suggests that this variant may not impact protein structure and function (internally defined REVEL score threshold <= 0.5, PMID: 27666373). To our knowledge, functional studies have not been reported for this variant. This variant has not been reported in individuals affected with BRIP1-related disorders in the literature. This variant has not been identified in the general population by the Genome Aggregation Database (gnomAD). The available evidence is insufficient to determine the role of this variant in disease conclusively. Therefore, this variant is classified as a Variant of Uncertain Significance.

NM_032043.3(BRIP1):c.2731G>C (p.Val911Leu)

Gene: BRIP1 (BRCA1 interacting DNA helicase 1; minus strand). Cytogenetic location: 17q23.2.
Variant type: single nucleotide variant.
Coding change: c.2731G>C on transcript NM_032043.3 (MANE Select); coding-DNA position 2731, G replaced by C.
Protein change: p.Val911Leu; replaces valine 911 with leucine.
Molecular consequence: missense variant.
Genome position (GRCh38, 1-based): chr17:61,686,010, C>G on the plus strand (G>C on the coding strand, the complement: BRIP1 is on the minus strand). VCF-style: chr17-61686010-C-G. GRCh37 (hg19) VCF-style: chr17-59763371-C-G.
Other names: short protein forms V911L.
Identifiers: ClinVar variation 491453 (VCV000491453.6), dbSNP rs1555573392, ClinGen allele CA400481647.